The following is an entry in ClinVar:

NM_212482.4(FN1):c.44A>T (p.Gln15Leu)

Genes: FN1 (fibronectin 1; minus strand), FN1-DT (FN1 divergent transcript; plus strand). Cytogenetic location: 2q35.
Variant type: single nucleotide variant.
Coding change: c.44A>T on transcript NM_212482.4 (MANE Select); coding-DNA position 44, A replaced by T.
Protein change: p.Gln15Leu; replaces glutamine 15 with leucine.
Molecular consequence: missense variant.
Genome position (GRCh38, 1-based): chr2:215,435,759, T>A on the plus strand (A>T on the coding strand, the complement: FN1 is on the minus strand). VCF-style: chr2-215435759-T-A. GRCh37 (hg19) VCF-style: chr2-216300482-T-A.
Other names: p.Gln15Leu; c.44A>T (NM_212482.3); c.44A>T, p.Gln15Leu (NM_001306129.2, NM_001306130.2, NM_001306131.2 and 14 more transcripts); short protein forms Q15L.
Identifiers: ClinVar variation 801895 (VCV000801895.20), dbSNP rs1250259, ClinGen allele CA2095696.

ClinVar aggregate classification (germline): Benign. Review status: criteria provided, multiple submitters, no conflicts (2 of 4 stars). 10 submissions from 9 submitters: Benign (8). 2 of the submissions do not count toward it. Last evaluated 2026-02-04.

Conditions:
Spondyloepimetaphyseal dysplasia, Strudwick type (SEMDSTWK). Also called: STRUDWICK SYNDROME; DAPPLED METAPHYSIS SYNDROME. Identifiers: Orphanet 93346, MedGen C0700635, MONDO:0008476, OMIM 184250.
Spondylometaphyseal dysplasia - Sutcliffe type. Also called: Sutcliffe type of spondylometaphyseal dysplasia; Sutcliffe SMD; Spondylometaphyseal dysplasia, 'corner fracture' type; Spondylometaphyseal Dysplasia, Corner Fracture Type. Identifiers: Orphanet 93315, MedGen C0432221, MONDO:0008479, OMIM 184255.
Glomerulopathy with fibronectin deposits 2 (GFND2). Identifiers: Orphanet 84090, MedGen C1866075, MONDO:0011165, OMIM 601894.

Allele frequency attached by ClinVar (database versions not stated): gnomAD exomes 0.74149 and 0.75746; ExAC 0.76907; gnomAD 0.78773 and 0.79353; ESP Exome Variant Server 0.78853; TOPMed 0.79435; 1000 Genomes Project 0.79513; 1000 Genomes Project 30x 0.79622.
gnomAD v4.1: 1,190,019 of 1,594,386 alleles (75%); highest among the groups gnomAD compares: East Asian, 93%; 447,205 homozygotes.

Submissions (10):

Labcorp Genetics (formerly Invitae), Labcorp
Classification: Benign. Last evaluated: 2026-02-04. Review status: criteria provided, single submitter. Criteria: Invitae Variant Classification Sherloc (09022015). Collection method: clinical testing. Allele origin: germline.

Blueprint Genetics
Classification: Benign. Last evaluated: 2024-11-26. Review status: criteria provided, single submitter. Criteria: ACMG Guidelines, 2015. Collection method: clinical testing. Allele origin: germline.

Mayo Clinic Laboratories, Mayo Clinic
Classification: Benign. Last evaluated: 2022-11-15. Review status: criteria provided, single submitter. Criteria: ACMG Guidelines, 2015. Collection method: clinical testing. Allele origin: germline. Observed: 142 variant alleles.
Comment: BA1, BP4

Genome-Nilou Lab
Classification: Benign for Glomerulopathy with fibronectin deposits 2. Last evaluated: 2021-08-10. Review status: criteria provided, single submitter. Criteria: ACMG Guidelines, 2015. Collection method: clinical testing. Allele origin: germline. Affected: no.

Genome-Nilou Lab
Classification: Benign for Spondylometaphyseal dysplasia - Sutcliffe type. Last evaluated: 2021-08-10. Review status: criteria provided, single submitter. Criteria: ACMG Guidelines, 2015. Collection method: clinical testing. Allele origin: germline. Affected: no.

Mendelics
Classification: Benign for Spondyloepimetaphyseal dysplasia, Strudwick type. Last evaluated: 2019-05-28. Review status: criteria provided, single submitter. Criteria: Mendelics Assertion Criteria 2017. Collection method: clinical testing. Allele origin: unknown.

GeneDx
Classification: Benign. Last evaluated: 2018-11-11. Review status: criteria provided, single submitter. Criteria: GeneDx Variant Classification Process June 2021. Collection method: clinical testing. Allele origin: germline. Affected: yes.
Comment: This variant is associated with the following publications: (PMID: 30389748)

Breakthrough Genomics
Classification: Benign. Review status: criteria provided, single submitter. Criteria: ACMG Guidelines, 2015. Collection method: not provided. Allele origin: germline. Inheritance: Autosomal dominant inheritance. Affected: yes.

Diagnostic Laboratory, Department of Genetics, University Medical Center Groningen
Classification: Benign. Review status: no assertion criteria provided. Collection method: clinical testing. Allele origin: germline. Affected: yes. Study: VKGL Data-share Consensus. Not counted in ClinVar's aggregate classification.

Joint Genome Diagnostic Labs from Nijmegen and Maastricht, Radboudumc and MUMC+
Classification: Benign. Review status: no assertion criteria provided. Collection method: clinical testing. Allele origin: germline. Affected: yes. Study: VKGL Data-share Consensus. Not counted in ClinVar's aggregate classification.